The following is an entry in ClinVar:

ClinVar aggregate classification (germline): Benign. Review status: criteria provided, multiple submitters, no conflicts (2 of 4 stars). 5 submissions from 5 submitters: Benign (2). 3 of the submissions do not count toward it. Last evaluated 2026-01-15.

Conditions:
IGSF1-related disorder. Also called: IGSF1-related condition.

Allele frequency attached by ClinVar (database versions not stated): 1000 Genomes Project 30x 0.00104; 1000 Genomes Project 0.00132; ExAC 0.00550; TOPMed 0.00561; gnomAD exomes 0.00591 and 0.00814; gnomAD 0.00630 and 0.00650; ESP Exome Variant Server 0.00729.
gnomAD v4.1: 9,635 of 1,208,916 alleles (0.8%); highest among the groups gnomAD compares: Non-Finnish European, 0.94%; 27 homozygotes.

Submissions (5):

Labcorp Genetics (formerly Invitae), Labcorp
Classification: Benign. Last evaluated: 2026-01-15. Review status: criteria provided, single submitter. Criteria: Invitae Variant Classification Sherloc (09022015). Collection method: clinical testing. Allele origin: germline.

Breakthrough Genomics
Classification: Benign. Review status: criteria provided, single submitter. Criteria: ACMG Guidelines, 2015. Collection method: not provided. Allele origin: germline. Inheritance: X-linked inheritance. Affected: yes.

PreventionGenetics, part of Exact Sciences
Classification: Benign for IGSF1-related condition. Last evaluated: 2024-05-16. Review status: no assertion criteria provided. Collection method: clinical testing. Allele origin: germline. Not counted in ClinVar's aggregate classification.
Comment: This variant is classified as benign based on ACMG/AMP sequence variant interpretation guidelines (Richards et al. 2015 PMID: 25741868, with internal and published modifications).

Clinical Genetics DNA and cytogenetics Diagnostics Lab, Erasmus MC, Erasmus Medical Center
Classification: Likely benign. Review status: no assertion criteria provided. Collection method: clinical testing. Allele origin: germline. Affected: yes. Study: VKGL Data-share Consensus. Not counted in ClinVar's aggregate classification.

Clinical Genetics, Academic Medical Center
Classification: Benign. Review status: no assertion criteria provided. Collection method: clinical testing. Allele origin: germline. Affected: yes. Study: VKGL Data-share Consensus. Not counted in ClinVar's aggregate classification.

NM_001555.5(IGSF1):c.732G>A (p.Leu244=)

Gene: IGSF1 (immunoglobulin superfamily member 1; minus strand). Cytogenetic location: Xq26.1.
Variant type: single nucleotide variant.
Coding change: c.732G>A on transcript NM_001555.5 (MANE Select); coding-DNA position 732, G replaced by A.
Protein change: p.Leu244=; no amino-acid change (leucine 244 retained).
Molecular consequence: synonymous variant.
Genome position (GRCh38, 1-based): chrX:131,283,200, C>T on the plus strand (G>A on the coding strand, the complement: IGSF1 is on the minus strand). VCF-style: chrX-131283200-C-T. GRCh37 (hg19) VCF-style: chrX-130417174-C-T.
Other names: c.732G>A, p.Leu244= (NM_001170961.2); c.705G>A, p.Leu235= (NM_001170962.2).
Identifiers: ClinVar variation 777744 (VCV000777744.10), dbSNP rs147441841, ClinGen allele CA10518121.